The following is an entry in ClinVar:

ClinVar aggregate classification (germline): Uncertain significance. Review status: criteria provided, multiple submitters, no conflicts (2 of 4 stars). 2 submissions from 2 submitters: Uncertain significance (2). Last evaluated 2025-05-19.

Conditions:
Mosaic variegated aneuploidy syndrome 2 (MVA2). Identifiers: Orphanet 1052, MedGen C3279843, MONDO:0013582, OMIM 614114.
Inborn genetic diseases. Identifiers: MedGen C0950123, MeSH D030342.

Allele frequency attached by ClinVar (database versions not stated): TOPMed 0.00001; ExAC 0.00002; gnomAD 0.00002; ESP Exome Variant Server 0.00008.
gnomAD v4.1: 24 of 1,613,698 alleles (0.0015%); highest among the groups gnomAD compares: Non-Finnish European, 0.002%; no homozygotes.

Submissions (2):

Labcorp Genetics (formerly Invitae), Labcorp
Classification: Uncertain significance for Mosaic variegated aneuploidy syndrome 2. Last evaluated: 2025-05-19. Review status: criteria provided, single submitter. Criteria: Invitae Variant Classification Sherloc (09022015). Collection method: clinical testing. Allele origin: germline.
Comment: This sequence change replaces methionine, which is neutral and non-polar, with valine, which is neutral and non-polar, at codon 210 of the CEP57 protein (p.Met210Val). This variant is present in population databases (rs374700509, gnomAD 0.003%). This variant has not been reported in the literature in individuals affected with CEP57-related conditions. ClinVar contains an entry for this variant (Variation ID: 1437143). Invitae Evidence Modeling of protein sequence and biophysical properties (such as structural, functional, and spatial information, amino acid conservation, physicochemical variation, residue mobility, and thermodynamic stability) indicates that this missense variant is not expected to disrupt CEP57 protein function with a negative predictive value of 80%. In summary, the available evidence is currently insufficient to determine the role of this variant in disease. Therefore, it has been classified as a Variant of Uncertain Significance.

Ambry Genetics
Classification: Uncertain significance for Inborn genetic diseases. Last evaluated: 2024-12-21. Review status: criteria provided, single submitter. Criteria: Ambry Variant Classification Scheme 2023. Collection method: clinical testing. Allele origin: germline.
Comment: The p.M210V variant (also known as c.628A>G), located in coding exon 6 of the CEP57 gene, results from an A to G substitution at nucleotide position 628. The methionine at codon 210 is replaced by valine, an amino acid with highly similar properties. This amino acid position is conserved. In addition, the in silico prediction for this alteration is inconclusive. Based on the available evidence, the clinical significance of this variant remains unclear.

NM_014679.5(CEP57):c.628A>G (p.Met210Val)

Gene: CEP57 (centrosomal protein 57; plus strand). Cytogenetic location: 11q21.
Variant type: single nucleotide variant.
Coding change: c.628A>G on transcript NM_014679.5 (MANE Select); coding-DNA position 628, A replaced by G.
Protein change: p.Met210Val; replaces methionine 210 with valine.
Molecular consequence: missense variant.
Genome position (GRCh38, 1-based): chr11:95,818,833, A>G. VCF-style: chr11-95818833-A-G. GRCh37 (hg19) VCF-style: chr11-95551997-A-G.
Other names: c.628A>G (NM_014679.4); c.601A>G, p.Met201Val (NM_001243776.2); c.628A>G, p.Met210Val (NM_001243777.2); c.547A>G, p.Met183Val (NM_001363604.2); short protein forms M183V, M201V, M210V.
Identifiers: ClinVar variation 1437143 (VCV001437143.7), dbSNP rs374700509, ClinGen allele CA6239551.